The following is an entry in ClinVar:

ClinVar aggregate classification (germline): Uncertain significance (1 of 4 stars; one submission).

Conditions:
GLDC-related disorder. Also called: GLDC-related condition.

Submission:

PreventionGenetics, part of Exact Sciences
Classification: Uncertain significance for GLDC-related condition. Last evaluated: 2023-01-24. Review status: criteria provided, single submitter. Criteria: ACMG Guidelines, 2015. Collection method: clinical testing. Allele origin: germline.
Comment: The GLDC c.2192T>G variant is predicted to result in the amino acid substitution p.Met731Arg. To our knowledge, this variant has not been reported in the literature or in a large population database, indicating this variant is rare. At this time, the clinical significance of this variant is uncertain due to the absence of conclusive functional and genetic evidence.

NM_000170.3(GLDC):c.2192T>G (p.Met731Arg)

Gene: GLDC (glycine decarboxylase; minus strand). Cytogenetic location: 9p24.1.
Variant type: single nucleotide variant.
Coding change: c.2192T>G on transcript NM_000170.3 (MANE Select); coding-DNA position 2192, T replaced by G.
Protein change: p.Met731Arg; replaces methionine 731 with arginine.
Molecular consequence: missense variant.
Genome position (GRCh38, 1-based): chr9:6,556,163, A>C on the plus strand (T>G on the coding strand, the complement: GLDC is on the minus strand). VCF-style: chr9-6556163-A-C. GRCh37 (hg19) VCF-style: chr9-6556163-A-C.
Other names: short protein forms M731R.
Identifiers: ClinVar variation 2630498 (VCV002630498.1), dbSNP rs763854673, ClinGen allele CA372881178.